The following is an entry in ClinVar:

NM_012418.4(FSCN2):c.875T>A (p.Phe292Tyr)

Gene: FSCN2 (fascin actin-bundling protein 2, retinal; plus strand). Cytogenetic location: 17q25.3.
Variant type: single nucleotide variant.
Coding change: c.875T>A on transcript NM_012418.4 (MANE Select); coding-DNA position 875, T replaced by A.
Protein change: p.Phe292Tyr; replaces phenylalanine 292 with tyrosine.
Molecular consequence: missense variant.
Genome position (GRCh38, 1-based): chr17:81,535,100, T>A. VCF-style: chr17-81535100-T-A. GRCh37 (hg19) VCF-style: chr17-79502126-T-A.
Other names: c.875T>A, p.Phe292Tyr (NM_001077182.3); short protein forms F292Y.
Identifiers: ClinVar variation 837265 (VCV000837265.10), dbSNP rs2032804208, ClinGen allele CA401475564.

ClinVar aggregate classification (germline): Uncertain significance (1 of 4 stars; one submission).

Submission:

Labcorp Genetics (formerly Invitae), Labcorp
Classification: Uncertain significance. Last evaluated: 2024-02-24. Review status: criteria provided, single submitter. Criteria: Invitae Variant Classification Sherloc (09022015). Collection method: clinical testing. Allele origin: germline.
Comment: This sequence change replaces phenylalanine, which is neutral and non-polar, with tyrosine, which is neutral and polar, at codon 292 of the FSCN2 protein (p.Phe292Tyr). This variant is not present in population databases (gnomAD no frequency). This variant has not been reported in the literature in individuals affected with FSCN2-related conditions. ClinVar contains an entry for this variant (Variation ID: 837265). An algorithm developed to predict the effect of missense changes on protein structure and function (PolyPhen-2) suggests that this variant is likely to be disruptive. In summary, the available evidence is currently insufficient to determine the role of this variant in disease. Therefore, it has been classified as a Variant of Uncertain Significance.